The following is an entry in ClinVar:

ClinVar aggregate classification (germline): Uncertain significance (1 of 4 stars; one submission).

Conditions:
Inborn genetic diseases. Identifiers: MedGen C0950123, MeSH D030342.

gnomAD v4.1: 2 of 1,613,870 alleles (0.00012%); highest among the groups gnomAD compares: Non-Finnish European, 0.00017%; no homozygotes.

Submission:

Ambry Genetics
Classification: Uncertain significance for Inborn genetic diseases. Last evaluated: 2026-01-05. Review status: criteria provided, single submitter. Criteria: Ambry Variant Classification Scheme 2023. Collection method: clinical testing. Allele origin: germline.
Comment: The c.3617T>A (p.L1206H) alteration is located in exon 27 (coding exon 27) of the MYO5A gene. This alteration results from a T to A substitution at nucleotide position 3617, causing the leucine (L) at amino acid position 1206 to be replaced by a histidine (H). Based on data from gnomAD, the A allele has an overall frequency of <0.001% (1/249514) total alleles studied. The highest observed frequency was 0.001% (1/113246) of European (non-Finnish) alleles. Based on insufficient or conflicting evidence, the clinical significance of this alteration remains unclear.

NM_001382347.1(MYO5A):c.3617T>A (p.Leu1206His)

Gene: MYO5A (myosin VA; minus strand). Cytogenetic location: 15q21.2.
Variant type: single nucleotide variant.
Coding change: c.3617T>A on transcript NM_001382347.1 (MANE Select); coding-DNA position 3617, T replaced by A.
Protein change: p.Leu1206His; replaces leucine 1206 with histidine.
Molecular consequence: missense variant.
Genome position (GRCh38, 1-based): chr15:52,353,609, A>T on the plus strand (T>A on the coding strand, the complement: MYO5A is on the minus strand). VCF-style: chr15-52353609-A-T. GRCh37 (hg19) VCF-style: chr15-52645806-A-T.
Other names: c.3617T>A, p.Leu1206His (NM_000259.3, NM_001142495.2, NM_001411135.1); c.3689T>A, p.Leu1230His (NM_001382348.1, NM_001382349.1); short protein forms L1206H, L1230H.
Identifiers: ClinVar variation 4830151 (VCV004830151.1).